The following is an entry in ClinVar:

NM_006269.2(RP1):c.3454A>C (p.Lys1152Gln)

Gene: RP1 (RP1 axonemal microtubule associated; plus strand). Cytogenetic location: 8q12.1.
Variant type: single nucleotide variant.
Coding change: c.3454A>C on transcript NM_006269.2 (MANE Select); coding-DNA position 3454, A replaced by C.
Protein change: p.Lys1152Gln; replaces lysine 1152 with glutamine.
Molecular consequence: missense variant. On other transcripts: intron variant (1).
Genome position (GRCh38, 1-based): chr8:54,627,336, A>C. VCF-style: chr8-54627336-A-C. GRCh37 (hg19) VCF-style: chr8-55539896-A-C.
Other names: c.3454A>C (NM_006269.1); c.787+5048A>C (NM_001375654.1); short protein forms K1152Q.
Identifiers: ClinVar variation 1934404 (VCV001934404.6), dbSNP rs746097358, ClinGen allele CA370996393.

ClinVar aggregate classification (germline): Uncertain significance. Review status: criteria provided, multiple submitters, no conflicts (2 of 4 stars). 2 submissions from 2 submitters: Uncertain significance (2). Last evaluated 2025-09-13.

Conditions:
Inborn genetic diseases. Identifiers: MedGen C0950123, MeSH D030342.

gnomAD v4.1: 3 of 1,614,152 alleles (0.00019%); highest among the groups gnomAD compares: Admixed American, 0.0033%; no homozygotes.

Submissions (2):

Labcorp Genetics (formerly Invitae), Labcorp
Classification: Uncertain significance. Last evaluated: 2025-09-13. Review status: criteria provided, single submitter. Criteria: Invitae Variant Classification Sherloc (09022015). Collection method: clinical testing. Allele origin: germline.
Comment: This sequence change replaces lysine, which is basic and polar, with glutamine, which is neutral and polar, at codon 1152 of the RP1 protein (p.Lys1152Gln). This variant is present in population databases (no rsID available, gnomAD 0.003%). This variant has not been reported in the literature in individuals affected with RP1-related conditions. ClinVar contains an entry for this variant (Variation ID: 1934404). An algorithm developed to predict the effect of missense changes on protein structure and function (PolyPhen-2) suggests that this variant is likely to be tolerated. In summary, the available evidence is currently insufficient to determine the role of this variant in disease. Therefore, it has been classified as a Variant of Uncertain Significance.

Ambry Genetics
Classification: Uncertain significance for Inborn genetic diseases. Last evaluated: 2025-08-06. Review status: criteria provided, single submitter. Criteria: Ambry Variant Classification Scheme 2023. Collection method: clinical testing. Allele origin: germline.